The following is an entry in ClinVar:

ClinVar aggregate classification (germline): Uncertain significance. Review status: criteria provided, multiple submitters, no conflicts (2 of 4 stars). 2 submissions from 2 submitters: Uncertain significance (2). Last evaluated 2024-08-15.

Conditions:
Charcot-Marie-Tooth disease type 2. Also called: Charcot-Marie-Tooth type 2. Identifiers: Orphanet 64746, MedGen C0270914, MONDO:0018993.
Charcot-Marie-Tooth disease type 2A2. Also called: Charcot-Marie-Tooth Neuropathy Type 2A2; CHARCOT-MARIE-TOOTH DISEASE, AXONAL, TYPE 2A2; CHARCOT-MARIE-TOOTH DISEASE, NEURONAL, TYPE 2A2; HEREDITARY MOTOR AND SENSORY NEUROPATHY IIA2; HMSN IIA2; CHARCOT-MARIE-TOOTH DISEASE, AXONAL, AUTOSOMAL DOMINANT, TYPE 2A2A. Identifiers: Orphanet 99947, MedGen C4721887, MONDO:0012231, OMIM 609260.

Submissions (2):

Institute of Immunology and Genetics Kaiserslautern
Classification: Uncertain significance for Charcot-Marie-Tooth disease type 2A2. Last evaluated: 2024-08-15. Review status: criteria provided, single submitter. Criteria: ACMG Guidelines, 2015. Collection method: clinical testing. Allele origin: germline. Affected: yes.
Comment: ACMG Criteria: PM2; Variant was found in heterozygous state

Labcorp Genetics (formerly Invitae), Labcorp
Classification: Uncertain significance for Charcot-Marie-Tooth disease type 2. Last evaluated: 2021-06-01. Review status: criteria provided, single submitter. Criteria: Invitae Variant Classification Sherloc (09022015). Collection method: clinical testing. Allele origin: germline.
Comment: This sequence change replaces leucine with proline at codon 163 of the MFN2 protein (p.Leu163Pro). The leucine residue is highly conserved and there is a moderate physicochemical difference between leucine and proline. In summary, the available evidence is currently insufficient to determine the role of this variant in disease. Therefore, it has been classified as a Variant of Uncertain Significance. Advanced modeling of protein sequence and biophysical properties (such as structural, functional, and spatial information, amino acid conservation, physicochemical variation, residue mobility, and thermodynamic stability) performed at Invitae indicates that this missense variant is expected to disrupt MFN2 protein function. This variant has not been reported in the literature in individuals with MFN2-related conditions. This variant is not present in population databases (ExAC no frequency).

NM_014874.4(MFN2):c.488T>C (p.Leu163Pro)

Gene: MFN2 (mitofusin 2; plus strand). Cytogenetic location: 1p36.22.
Variant type: single nucleotide variant.
Coding change: c.488T>C on transcript NM_014874.4 (MANE Select); coding-DNA position 488, T replaced by C.
Protein change: p.Leu163Pro; replaces leucine 163 with proline.
Molecular consequence: missense variant.
Genome position (GRCh38, 1-based): chr1:11,997,310, T>C. VCF-style: chr1-11997310-T-C. GRCh37 (hg19) VCF-style: chr1-12057367-T-C.
Other names: c.488T>C, p.Leu163Pro (NM_001127660.2); short protein forms L163P.
Identifiers: ClinVar variation 1358351 (VCV001358351.9), dbSNP rs2100826124, ClinGen allele CA338436235.